The following is an entry in ClinVar:

ClinVar aggregate classification (germline): Uncertain significance. Review status: criteria provided, multiple submitters, no conflicts (2 of 4 stars). 2 submissions from 2 submitters: Uncertain significance (2). Last evaluated 2025-03-14.

Conditions:
Hereditary cancer-predisposing syndrome. Also called: Tumor predisposition; Hereditary neoplastic syndrome; Neoplastic Syndromes, Hereditary; Hereditary Cancer Syndrome. Identifiers: Orphanet 140162, MedGen C0027672, MeSH D009386, MONDO:0015356.
Neurofibromatosis, type 2 (SWNV). Also called: NF2-Related Schwannomatosis; BILATERAL ACOUSTIC NEUROFIBROMATOSIS; SCHWANNOMATOSIS, VESTIBULAR. Identifiers: Orphanet 637, MedGen C0027832, MONDO:0007039, OMIM 101000. Disease mechanism: loss of function.

Submissions (2):

Ambry Genetics
Classification: Uncertain significance for Hereditary cancer-predisposing syndrome. Last evaluated: 2025-03-14. Review status: criteria provided, single submitter. Criteria: Ambry Variant Classification Scheme 2023. Collection method: clinical testing. Allele origin: germline.
Comment: The p.P134S variant (also known as c.400C>T), located in coding exon 4 of the NF2 gene, results from a C to T substitution at nucleotide position 400. The proline at codon 134 is replaced by serine, an amino acid with similar properties. This amino acid position is conserved. In addition, this alteration is predicted to be tolerated by in silico analysis. Based on the available evidence, the clinical significance of this variant remains unclear.

Labcorp Genetics (formerly Invitae), Labcorp
Classification: Uncertain significance for Neurofibromatosis, type 2. Last evaluated: 2020-08-07. Review status: criteria provided, single submitter. Criteria: Invitae Variant Classification Sherloc (09022015). Collection method: clinical testing. Allele origin: germline.
Comment: This variant has not been reported in the literature in individuals with NF2-related disease. ClinVar contains an entry for this variant (Variation ID: 527693). This sequence change replaces proline with serine at codon 134 of the NF2 protein (p.Pro134Ser). The proline residue is highly conserved and there is a moderate physicochemical difference between proline and serine. This variant is not present in population databases (ExAC no frequency). Algorithms developed to predict the effect of missense changes on protein structure and function (SIFT, PolyPhen-2, Align-GVGD) all suggest that this variant is likely to be tolerated, but these predictions have not been confirmed by published functional studies and their clinical significance is uncertain. In summary, the available evidence is currently insufficient to determine the role of this variant in disease. Therefore, it has been classified as a Variant of Uncertain Significance.

NM_000268.4(NF2):c.400C>T (p.Pro134Ser)

Gene: NF2 (NF2, moesin-ezrin-radixin like (MERLIN) tumor suppressor; plus strand). Cytogenetic location: 22q12.2.
Variant type: single nucleotide variant.
Coding change: c.400C>T on transcript NM_000268.4 (MANE Select); coding-DNA position 400, C replaced by T.
Protein change: p.Pro134Ser; replaces proline 134 with serine.
Molecular consequence: missense variant. On other transcripts: non-coding transcript variant (1).
Genome position (GRCh38, 1-based): chr22:29,642,238, C>T. VCF-style: chr22-29642238-C-T. GRCh37 (hg19) VCF-style: chr22-30038227-C-T.
Other names: c.400C>T, p.Pro134Ser (NM_016418.5, NM_181825.3, NM_181832.3 and 1 more transcripts); c.274C>T, p.Pro92Ser (NM_181828.3); c.277C>T, p.Pro93Ser (NM_181829.3); c.151C>T, p.Pro51Ser (NM_181830.3, NM_181831.3); short protein forms P134S, P92S, P51S, P93S.
Identifiers: ClinVar variation 527693 (VCV000527693.11), dbSNP rs1555988776, ClinGen allele CA411153798.